The following is an entry in ClinVar:

ClinVar aggregate classification (germline): Uncertain significance (1 of 4 stars; one submission).

gnomAD v4.1: 13 of 1,614,096 alleles (0.00081%); highest among the groups gnomAD compares: Middle Eastern, 0.016%; no homozygotes.

Submission:

Labcorp Genetics (formerly Invitae), Labcorp
Classification: Uncertain significance. Last evaluated: 2025-02-13. Review status: criteria provided, single submitter. Criteria: Invitae Variant Classification Sherloc (09022015). Collection method: clinical testing. Allele origin: germline.
Comment: This sequence change replaces arginine, which is basic and polar, with glycine, which is neutral and non-polar, at codon 101 of the ACVR1 protein (p.Arg101Gly). This variant is present in population databases (rs780585007, gnomAD 0.0009%). This variant has not been reported in the literature in individuals affected with ACVR1-related conditions. An algorithm developed to predict the effect of missense changes on protein structure and function outputs the following: PolyPhen-2: "Benign". The glycine amino acid residue is found in multiple mammalian species, which suggests that this missense change does not adversely affect protein function. In summary, the available evidence is currently insufficient to determine the role of this variant in disease. Therefore, it has been classified as a Variant of Uncertain Significance.

NM_001111067.4(ACVR1):c.301A>G (p.Arg101Gly)

Gene: ACVR1 (activin A receptor type 1; minus strand). Cytogenetic location: 2q24.1.
Variant type: single nucleotide variant.
Coding change: c.301A>G on transcript NM_001111067.4 (MANE Select); coding-DNA position 301, A replaced by G.
Protein change: p.Arg101Gly; replaces arginine 101 with glycine.
Molecular consequence: missense variant.
Genome position (GRCh38, 1-based): chr2:157,780,367, T>C on the plus strand (A>G on the coding strand, the complement: ACVR1 is on the minus strand). VCF-style: chr2-157780367-T-C. GRCh37 (hg19) VCF-style: chr2-158636879-T-C.
Other names: c.301A>G, p.Arg101Gly (NM_001105.5, NM_001347663.1, NM_001347664.1 and 3 more transcripts); short protein forms R101G.
Identifiers: ClinVar variation 4736748 (VCV004736748.1).